The following is an entry in ClinVar:

NM_000396.4(CTSK):c.154A>G (p.Lys52Glu)

Gene: CTSK (cathepsin K; minus strand). Cytogenetic location: 1q21.3.
Variant type: single nucleotide variant.
Coding change: c.154A>G on transcript NM_000396.4 (MANE Select); coding-DNA position 154, A replaced by G.
Protein change: p.Lys52Glu; replaces lysine 52 with glutamic acid.
Molecular consequence: missense variant.
Genome position (GRCh38, 1-based): chr1:150,806,191, T>C on the plus strand (A>G on the coding strand, the complement: CTSK is on the minus strand). VCF-style: chr1-150806191-T-C. GRCh37 (hg19) VCF-style: chr1-150778667-T-C.
Other names: short protein forms K52E.
Identifiers: ClinVar variation 1901617 (VCV001901617.5), dbSNP rs74315306, ClinGen allele CA342337371.

ClinVar aggregate classification (germline): Uncertain significance (1 of 4 stars; one submission).

Allele frequency attached by ClinVar (database versions not stated): TOPMed 0.00002.

Submission:

Labcorp Genetics (formerly Invitae), Labcorp
Classification: Uncertain significance. Last evaluated: 2022-11-01. Review status: criteria provided, single submitter. Criteria: Invitae Variant Classification Sherloc (09022015). Collection method: clinical testing. Allele origin: germline.
Comment: In summary, the available evidence is currently insufficient to determine the role of this variant in disease. Therefore, it has been classified as a Variant of Uncertain Significance. Algorithms developed to predict the effect of sequence changes on RNA splicing suggest that this variant may create or strengthen a splice site. Advanced modeling of protein sequence and biophysical properties (such as structural, functional, and spatial information, amino acid conservation, physicochemical variation, residue mobility, and thermodynamic stability) performed at Invitae indicates that this missense variant is not expected to disrupt CTSK protein function. This variant has not been reported in the literature in individuals affected with CTSK-related conditions. This sequence change replaces lysine, which is basic and polar, with glutamic acid, which is acidic and polar, at codon 52 of the CTSK protein (p.Lys52Glu). This variant is not present in population databases (gnomAD no frequency).